The following is an entry in ClinVar:

ClinVar aggregate classification (germline): Uncertain significance (1 of 4 stars; one submission).

Conditions:
Hyperkalemic periodic paralysis. Also called: Familial hyperkalemic periodic paralysis; Gamstorp disease. Identifiers: Orphanet 682, MedGen C0238357, MONDO:0008224, OMIM 170500, HP:0007215.

Submission:

Labcorp Genetics (formerly Invitae), Labcorp
Classification: Uncertain significance for Hyperkalemic periodic paralysis. Last evaluated: 2023-11-15. Review status: criteria provided, single submitter. Criteria: Invitae Variant Classification Sherloc (09022015). Collection method: clinical testing. Allele origin: germline.
Comment: This sequence change replaces methionine, which is neutral and non-polar, with isoleucine, which is neutral and non-polar, at codon 935 of the SCN4A protein (p.Met935Ile). This variant is not present in population databases (gnomAD no frequency). This variant has not been reported in the literature in individuals affected with SCN4A-related conditions. Advanced modeling of protein sequence and biophysical properties (such as structural, functional, and spatial information, amino acid conservation, physicochemical variation, residue mobility, and thermodynamic stability) performed at Invitae indicates that this missense variant is not expected to disrupt SCN4A protein function with a negative predictive value of 95%. In summary, the available evidence is currently insufficient to determine the role of this variant in disease. Therefore, it has been classified as a Variant of Uncertain Significance.

NM_000334.4(SCN4A):c.2805G>A (p.Met935Ile)

Genes: SCN4A (sodium voltage-gated channel alpha subunit 4; minus strand), GH-LCR (growth hormone locus control region; plus strand). Cytogenetic location: 17q23.3.
Variant type: single nucleotide variant.
Coding change: c.2805G>A on transcript NM_000334.4 (MANE Select); coding-DNA position 2805, G replaced by A.
Protein change: p.Met935Ile; replaces methionine 935 with isoleucine.
Molecular consequence: missense variant.
Genome position (GRCh38, 1-based): chr17:63,951,472, C>T on the plus strand (G>A on the coding strand, the complement: SCN4A is on the minus strand). VCF-style: chr17-63951472-C-T. GRCh37 (hg19) VCF-style: chr17-62028832-C-T.
Other names: short protein forms M935I.
Identifiers: ClinVar variation 2907160 (VCV002907160.3), dbSNP rs1168767843, ClinGen allele CA400624773.
Genomic context (GRCh38, chr17:63,951,472, plus strand): 5'-GCCCCGGCTCACCTTGCTATCCTCAGGCTCTGAGAAAGTGTCGGTTTCCTCCTCGGTGGG[C>T]ATCTCCAGGTCGGACTCCTCGGAGGCGATGGGCACCTGTATGGTCAGGTAGGGGTTGTTG-3'
Protein context (NP_000325.4, residues 925-945): PIASEESDLE[Met935Ile]PTEEETDTFS